The following is an entry in ClinVar:

Conditions:
Breast-ovarian cancer, familial, susceptibility to, 1 (BROVCA1). Also called: BRCA1 Hereditary Breast and Ovarian Cancer; OVARIAN CANCER, SUSCEPTIBILITY TO. Identifiers: Orphanet 145, MedGen C2676676, MONDO:0011450, OMIM 604370. Disease mechanism: loss of function.

Submission:

Brotman Baty Institute, University of Washington
No classification provided (evidence only). Condition: Breast-ovarian cancer, familial 1. Review status: no classification provided. Collection method: in vitro. Allele origin: not applicable. Functional consequence: functionally_normal.
ClinVar note: "not provided" was previously submitted as the classification for the variant. However, the classification appeared to be based only on an observation of functional data so it was converted to no classification on 2025-07-30.

NM_007294.4(BRCA1):c.4969C>A (p.Leu1657Met)

Gene: BRCA1 (BRCA1 DNA repair associated; minus strand). Cytogenetic location: 17q21.31.
Variant type: single nucleotide variant.
Coding change: c.4969C>A on transcript NM_007294.4 (MANE Select); coding-DNA position 4969, C replaced by A.
Protein change: p.Leu1657Met; replaces leucine 1657 with methionine.
Molecular consequence: missense variant. On other transcripts: non-coding transcript variant (1).
Genome position (GRCh38, 1-based): chr17:43,070,945, G>T on the plus strand (C>A on the coding strand, the complement: BRCA1 is on the minus strand). VCF-style: chr17-43070945-G-T. GRCh37 (hg19) VCF-style: chr17-41222962-G-T.
Other names: c.4966C>A, p.Leu1656Met (NM_001407610.1, NM_001407611.1, NM_001407612.1 and 17 more transcripts); c.4963C>A, p.Leu1655Met (NM_001407627.1, NM_001407628.1, NM_001407629.1 and 14 more transcripts); c.4960C>A, p.Leu1654Met (NM_001407644.1, NM_001407645.1); c.4957C>A, p.Leu1653Met (NM_001407646.1); c.4954C>A, p.Leu1652Met (NM_001407647.1); c.4912C>A, p.Leu1638Met (NM_001407648.1); c.4909C>A, p.Leu1637Met (NM_001407649.1); c.4969C>A, p.Leu1657Met (NM_001407652.1, NM_001407684.1, NM_001407854.1 and 8 more transcripts); and 70 more; short protein forms L1678M, L553M, L1657M, L1610M, L1360M, L1530M, L1568M, L1569M.
Identifiers: ClinVar variation 868883 (VCV000868883.3), dbSNP rs2052359756, ClinGen allele CA10591589.